The following is an entry in ClinVar:

NM_016203.4(PRKAG2):c.437G>T (p.Gly146Val)

Gene: PRKAG2 (protein kinase AMP-activated non-catalytic subunit gamma 2; minus strand). Cytogenetic location: 7q36.1.
Variant type: single nucleotide variant.
Coding change: c.437G>T on transcript NM_016203.4 (MANE Select); coding-DNA position 437, G replaced by T.
Protein change: p.Gly146Val; replaces glycine 146 with valine.
Molecular consequence: missense variant. On other transcripts: intron variant (1).
Genome position (GRCh38, 1-based): chr7:151,781,181, C>A on the plus strand (G>T on the coding strand, the complement: PRKAG2 is on the minus strand). VCF-style: chr7-151781181-C-A. GRCh37 (hg19) VCF-style: chr7-151478267-C-A.
Other names: c.148+33235G>T (NM_001407032.1); c.305G>T, p.Gly102Val (NM_001040633.2, NM_001407024.1, NM_001407026.1 and 2 more transcripts); c.437G>T, p.Gly146Val (NM_001407021.1, NM_001407022.1, NM_001407023.1 and 2 more transcripts); short protein forms G102V, G146V.
Identifiers: ClinVar variation 4758899 (VCV004758899.1).

ClinVar aggregate classification (germline): Uncertain significance (1 of 4 stars; one submission).

Conditions:
Cardiomyopathy (CMYO). Also called: Cardiomyopathies. Identifiers: Orphanet 167848, MedGen C0878544, MONDO:0004994, HP:0001638. Inheritance: Various modes of inheritance.

gnomAD v4.1: 1 of 1,613,908 alleles (0.000062%); highest among the groups gnomAD compares: Non-Finnish European, 0.000085%; no homozygotes.

Submission:

Color Diagnostics, LLC DBA Color Health
Classification: Uncertain significance for Cardiomyopathy. Last evaluated: 2025-07-14. Review status: criteria provided, single submitter. Criteria: ACMG Guidelines, 2015. Collection method: clinical testing. Allele origin: germline.
Comment: This missense variant replaces glycine with valine at codon 146 of the PRKAG2 protein. Computational prediction suggests that this variant may not impact protein structure and function. To our knowledge, functional studies have not been reported for this variant. This variant has not been reported in individuals affected with PRKAG2-related disorders in the literature. This variant has not been identified in the general population by the Genome Aggregation Database (gnomAD). The available evidence is insufficient to determine the role of this variant in disease conclusively. Therefore, this variant is classified as a Variant of Uncertain Significance.